The following is an entry in ClinVar:

NM_015087.5(SPART):c.885dup (p.Pro296fs)

Gene: SPART (spartin; minus strand). Cytogenetic location: 13q13.3.
Variant type: Duplication.
Coding change: c.885dup on transcript NM_015087.5 (MANE Select); coding-DNA position 885, one base duplicated (T; older notation c.885dupT).
Protein change: p.Pro296fs; shifts the reading frame from proline 296.
Molecular consequence: frameshift variant.
Genome position (GRCh38, 1-based): chr13:36,331,522, A duplicated on the plus strand (T on the coding strand, the reverse complement: SPART is on the minus strand); the first of 3 consecutive A bases (chr13:36,331,522-36,331,524); duplicating any one gives the same sequence. VCF-style (leftmost placement, unchanged base first): chr13-36331521-G-GA. GRCh37 (hg19) VCF-style: chr13-36905658-G-GA.
Other names: c.885dup, p.Pro296fs (NM_001142294.2, NM_001142295.2, NM_001142296.2); short protein forms P296fs.
Identifiers: ClinVar variation 2643770 (VCV002643770.24), dbSNP rs2500723740, ClinGen allele CA2695199729.
Genomic context (GRCh38, chr13:36,331,521, plus strand): 5'-GTAACTCAGAGGACAGGACGACCCCCACAAAGCATCCTGCTGCTTGTAGCATTGTATCAG[G>GA]AAACATGTAGGCTCCCGCAGTACATTTCAGAACCGGAGATCTATCAGGAACTAGAGGATA-3'

ClinVar aggregate classification (germline): Likely pathogenic (1 of 4 stars; one submission).

Submission:

CeGaT Center for Human Genetics Tuebingen
Classification: Likely pathogenic. Last evaluated: 2022-10-01. Review status: criteria provided, single submitter. Criteria: CeGaT Center For Human Genetics Tuebingen Variant Classification Criteria Version 2. Collection method: clinical testing. Allele origin: germline. Affected: yes. Observed: 1 variant allele.
Comment: SPART: PVS1:Strong, PM2